The following is an entry in ClinVar:

ClinVar aggregate classification (germline): Uncertain significance (1 of 4 stars; one submission).

gnomAD v4.1: 4 of 1,588,248 alleles (0.00025%); highest among the groups gnomAD compares: Non-Finnish European, 0.00035%; no homozygotes.

Submission:

Labcorp Genetics (formerly Invitae), Labcorp
Classification: Uncertain significance. Last evaluated: 2024-01-29. Review status: criteria provided, single submitter. Criteria: Invitae Variant Classification Sherloc (09022015). Collection method: clinical testing. Allele origin: germline.
Comment: This sequence change replaces arginine, which is basic and polar, with threonine, which is neutral and polar, at codon 231 of the IL12RB2 protein (p.Arg231Thr). This variant is not present in population databases (gnomAD no frequency). This variant has not been reported in the literature in individuals affected with IL12RB2-related conditions. An algorithm developed to predict the effect of missense changes on protein structure and function (PolyPhen-2) suggests that this variant is likely to be tolerated. In summary, the available evidence is currently insufficient to determine the role of this variant in disease. Therefore, it has been classified as a Variant of Uncertain Significance.

NM_001374259.2(IL12RB2):c.692G>C (p.Arg231Thr)

Gene: IL12RB2 (interleukin 12 receptor subunit beta 2; plus strand). Cytogenetic location: 1p31.3.
Variant type: single nucleotide variant.
Coding change: c.692G>C on transcript NM_001374259.2 (MANE Select); coding-DNA position 692, G replaced by C.
Protein change: p.Arg231Thr; replaces arginine 231 with threonine.
Molecular consequence: missense variant. On other transcripts: non-coding transcript variant (2).
Genome position (GRCh38, 1-based): chr1:67,329,614, G>C. VCF-style: chr1-67329614-G-C. GRCh37 (hg19) VCF-style: chr1-67795297-G-C.
Other names: c.692G>C, p.Arg231Thr (NM_001258214.1, NM_001258215.1, NM_001258216.1 and 2 more transcripts); short protein forms R231T.
Identifiers: ClinVar variation 2714164 (VCV002714164.3), dbSNP rs1558307004, ClinGen allele CA340733675.